The following is an entry in ClinVar:

ClinVar aggregate classification (germline): Uncertain significance (1 of 4 stars; one submission).

gnomAD v4.1: 4 of 1,598,760 alleles (0.00025%); highest among the groups gnomAD compares: Admixed American, 0.0067%; no homozygotes.

Submission:

Labcorp Genetics (formerly Invitae), Labcorp
Classification: Uncertain significance. Last evaluated: 2024-11-12. Review status: criteria provided, single submitter. Criteria: Invitae Variant Classification Sherloc (09022015). Collection method: clinical testing. Allele origin: germline.
Comment: This sequence change replaces alanine, which is neutral and non-polar, with threonine, which is neutral and polar, at codon 180 of the MME protein (p.Ala180Thr). This variant is present in population databases (rs202185476, gnomAD 0.009%). This variant has not been reported in the literature in individuals affected with MME-related conditions. An algorithm developed to predict the effect of missense changes on protein structure and function outputs the following: PolyPhen-2: "Benign". The threonine amino acid residue is found in multiple mammalian species, which suggests that this missense change does not adversely affect protein function. In summary, the available evidence is currently insufficient to determine the role of this variant in disease. Therefore, it has been classified as a Variant of Uncertain Significance.

NM_007289.4(MME):c.538G>A (p.Ala180Thr)

Gene: MME (membrane metalloendopeptidase; plus strand). Cytogenetic location: 3q25.2.
Variant type: single nucleotide variant.
Coding change: c.538G>A on transcript NM_007289.4 (MANE Select); coding-DNA position 538, G replaced by A.
Protein change: p.Ala180Thr; replaces alanine 180 with threonine.
Molecular consequence: missense variant.
Genome position (GRCh38, 1-based): chr3:155,116,870, G>A. VCF-style: chr3-155116870-G-A. GRCh37 (hg19) VCF-style: chr3-154834659-G-A.
Other names: c.538G>A, p.Ala180Thr (NM_001354642.2, NM_001354643.1, NM_007287.4 and 2 more transcripts); short protein forms A180T.
Identifiers: ClinVar variation 3636776 (VCV003636776.2).